The following is an entry in ClinVar:

ClinVar aggregate classification (germline): Uncertain significance (1 of 4 stars; one submission).

Submission:

Labcorp Genetics (formerly Invitae), Labcorp
Classification: Uncertain significance. Last evaluated: 2026-01-26. Review status: criteria provided, single submitter. Criteria: Invitae Variant Classification Sherloc (09022015). Collection method: clinical testing. Allele origin: germline.
Comment: This sequence change replaces glutamine, which is neutral and polar, with arginine, which is basic and polar, at codon 276 of the SAMD9 protein (p.Gln276Arg). This variant is not present in population databases (gnomAD no frequency). This variant has not been reported in the literature in individuals affected with SAMD9-related conditions. Invitae Evidence Modeling of protein sequence and biophysical properties (such as structural, functional, and spatial information, amino acid conservation, physicochemical variation, residue mobility, and thermodynamic stability) indicates that this missense variant is not expected to disrupt SAMD9 protein function with a negative predictive value of 95%. In summary, the available evidence is currently insufficient to determine the role of this variant in disease. Therefore, it has been classified as a Variant of Uncertain Significance.

NM_017654.4(SAMD9):c.827A>G (p.Gln276Arg)

Gene: SAMD9 (sterile alpha motif domain containing 9; minus strand). Cytogenetic location: 7q21.2.
Variant type: single nucleotide variant.
Coding change: c.827A>G on transcript NM_017654.4 (MANE Select); coding-DNA position 827, A replaced by G.
Protein change: p.Gln276Arg; replaces glutamine 276 with arginine.
Molecular consequence: missense variant.
Genome position (GRCh38, 1-based): chr7:93,105,271, T>C on the plus strand (A>G on the coding strand, the complement: SAMD9 is on the minus strand). VCF-style: chr7-93105271-T-C. GRCh37 (hg19) VCF-style: chr7-92734584-T-C.
Other names: c.827A>G, p.Gln276Arg (NM_001193307.2); short protein forms Q276R.
Identifiers: ClinVar variation 4802485 (VCV004802485.1).